The following is an entry in ClinVar:

NM_004725.4(BUB3):c.517C>G (p.Arg173Gly)

Gene: BUB3 (BUB3 mitotic checkpoint protein; plus strand). Cytogenetic location: 10q26.13.
Variant type: single nucleotide variant.
Coding change: c.517C>G on transcript NM_004725.4 (MANE Select); coding-DNA position 517, C replaced by G.
Protein change: p.Arg173Gly; replaces arginine 173 with glycine.
Molecular consequence: missense variant.
Genome position (GRCh38, 1-based): chr10:123,160,506, C>G. VCF-style: chr10-123160506-C-G. GRCh37 (hg19) VCF-style: chr10-124920022-C-G.
Other names: c.517C>G, p.Arg173Gly (NM_001007793.3); short protein forms R173G.
Identifiers: ClinVar variation 1745839 (VCV001745839.2), dbSNP rs2493763293, ClinGen allele CA378626272.

ClinVar aggregate classification (germline): Uncertain significance (1 of 4 stars; one submission).

Submission:

Ambry Genetics
Classification: Uncertain significance. Last evaluated: 2022-10-27. Review status: criteria provided, single submitter. Criteria: Ambry Variant Classification Scheme 2023. Collection method: clinical testing. Allele origin: germline.
Comment: The p.R173G variant (also known as c.517C>G), located in coding exon 4 of the BUB3 gene, results from a C to G substitution at nucleotide position 517. The arginine at codon 173 is replaced by glycine, an amino acid with dissimilar properties. This amino acid position is conserved. In addition, this alteration is predicted to be deleterious by in silico analysis. Since supporting evidence is limited at this time, the clinical significance of this alteration remains unclear.